The following is an entry in ClinVar:

NM_004667.6(HERC2):c.6607C>T (p.Leu2203Phe)

Gene: HERC2 (HECT and RLD domain containing E3 ubiquitin protein ligase 2; minus strand). Cytogenetic location: 15q13.1.
Variant type: single nucleotide variant.
Coding change: c.6607C>T on transcript NM_004667.6 (MANE Select); coding-DNA position 6607, C replaced by T.
Protein change: p.Leu2203Phe; replaces leucine 2203 with phenylalanine.
Molecular consequence: missense variant.
Genome position (GRCh38, 1-based): chr15:28,213,921, G>A on the plus strand (C>T on the coding strand, the complement: HERC2 is on the minus strand). VCF-style: chr15-28213921-G-A. GRCh37 (hg19) VCF-style: chr15-28459067-G-A.
Other names: c.6607C>T (NM_004667.5); short protein forms L2203F.
Identifiers: ClinVar variation 3525141 (VCV003525141.2).

ClinVar aggregate classification (germline): Uncertain significance. Review status: criteria provided, multiple submitters, no conflicts (2 of 4 stars). 2 submissions from 2 submitters: Uncertain significance (2). Last evaluated 2025-03-01.

Conditions:
Inborn genetic diseases. Identifiers: MedGen C0950123, MeSH D030342.

gnomAD v4.1: 17 of 1,614,106 alleles (0.0011%); highest among the groups gnomAD compares: Admixed American, 0.018%; no homozygotes.

Submissions (2):

GeneDx
Classification: Uncertain significance. Last evaluated: 2025-03-01. Review status: criteria provided, single submitter. Criteria: GeneDx Variant Classification Process June 2021. Collection method: clinical testing. Allele origin: germline. Affected: yes.
Comment: In silico analysis indicates that this missense variant does not alter protein structure/function; Has not been previously published as pathogenic or benign to our knowledge

Ambry Genetics
Classification: Uncertain significance for Inborn genetic diseases. Last evaluated: 2024-10-09. Review status: criteria provided, single submitter. Criteria: Ambry Variant Classification Scheme 2023. Collection method: clinical testing. Allele origin: germline.